The following is an entry in ClinVar:

ClinVar aggregate classification (germline): Pathogenic (1 of 4 stars; one submission).

Conditions:
Dilated cardiomyopathy 1HH (CMD1HH). Identifiers: Orphanet 154, MedGen C3151293, MONDO:0013479, OMIM 613881.
Myofibrillar myopathy 6. Identifiers: Orphanet 199340, MedGen C2751831, MONDO:0013061, OMIM 612954.

Submission:

Labcorp Genetics (formerly Invitae), Labcorp
Classification: Pathogenic for Dilated cardiomyopathy 1HH; Myofibrillar myopathy 6. Last evaluated: 2025-11-18. Review status: criteria provided, single submitter. Criteria: Invitae Variant Classification Sherloc (09022015). Collection method: clinical testing. Allele origin: germline.
Comment: This sequence change creates a premature translational stop signal (p.Gly167*) in the BAG3 gene. It is expected to result in an absent or disrupted protein product. Loss-of-function variants in BAG3 are known to be pathogenic (PMID: 21353195, 25008357). This variant is not present in population databases (gnomAD no frequency). This variant has not been reported in the literature in individuals affected with BAG3-related conditions. For these reasons, this variant has been classified as Pathogenic.

Literature cited by the submitters: PubMed 21353195; PubMed 25008357.

NM_004281.4(BAG3):c.499G>T (p.Gly167Ter)

Gene: BAG3 (BAG cochaperone 3; plus strand). Cytogenetic location: 10q26.11.
Variant type: single nucleotide variant.
Coding change: c.499G>T on transcript NM_004281.4 (MANE Select); coding-DNA position 499, G replaced by T.
Protein change: p.Gly167Ter; replaces glycine 167 with a stop codon.
Molecular consequence: nonsense.
Genome position (GRCh38, 1-based): chr10:119,670,169, G>T. VCF-style: chr10-119670169-G-T. GRCh37 (hg19) VCF-style: chr10-121429681-G-T.
Other names: short protein forms G167*.
Identifiers: ClinVar variation 4786735 (VCV004786735.1).
Genomic context (GRCh38, chr10:119,670,169, plus strand): 5'-CCAGATAAACAGTGTGGACAGGTGGCAGCGGCGGCGGCAGCCCAGCCCCCAGCCTCCCAC[G>T]GACCTGAGGTAAGGAGAGGCCAGGCTCACCAGCCTGCTGGGGAGCAAGCCGCTGTGCTTC-3'